The following is an entry in ClinVar:

NM_198578.4(LRRK2):c.1718T>G (p.Phe573Cys)

Gene: LRRK2 (leucine rich repeat kinase 2; plus strand). Cytogenetic location: 12q12.
Variant type: single nucleotide variant.
Coding change: c.1718T>G on transcript NM_198578.4 (MANE Select); coding-DNA position 1718, T replaced by G.
Protein change: p.Phe573Cys; replaces phenylalanine 573 with cysteine.
Molecular consequence: missense variant.
Genome position (GRCh38, 1-based): chr12:40,274,644, T>G. VCF-style: chr12-40274644-T-G. GRCh37 (hg19) VCF-style: chr12-40668446-T-G.
Other names: short protein forms F573C.
Identifiers: ClinVar variation 2447246 (VCV002447246.2), dbSNP rs755918621, ClinGen allele CA6513439.

ClinVar aggregate classification (germline): Uncertain significance (1 of 4 stars; one submission).

Conditions:
Inborn genetic diseases. Identifiers: MedGen C0950123, MeSH D030342.

Allele frequency attached by ClinVar (database versions not stated): gnomAD exomes 0.00002; ExAC 0.00003.
gnomAD v4.1: 24 of 1,613,964 alleles (0.0015%); highest among the groups gnomAD compares: Non-Finnish European, 0.002%; no homozygotes.

Submission:

Ambry Genetics
Classification: Uncertain significance for Inborn genetic diseases. Last evaluated: 2022-11-23. Review status: criteria provided, single submitter. Criteria: Ambry Variant Classification Scheme 2023. Collection method: clinical testing. Allele origin: germline.
Comment: The p.F573C variant (also known as c.1718T>G), located in coding exon 15 of the LRRK2 gene, results from a T to G substitution at nucleotide position 1718. The phenylalanine at codon 573 is replaced by cysteine, an amino acid with highly dissimilar properties. This amino acid position is conserved. In addition, this alteration is predicted to be tolerated by in silico analysis. Since supporting evidence is limited at this time, the clinical significance of this alteration remains unclear.